The following is an entry in ClinVar:

NM_001928.4(CFD):c.285C>A (p.Tyr95Ter)

Gene: CFD (complement factor D; plus strand). Cytogenetic location: 19p13.3.
Variant type: single nucleotide variant.
Coding change: c.285C>A on transcript NM_001928.4 (MANE Select); coding-DNA position 285, C replaced by A.
Protein change: p.Tyr95Ter; replaces tyrosine 95 with a stop codon.
Molecular consequence: nonsense.
Genome position (GRCh38, 1-based): chr19:860,933, C>A. VCF-style: chr19-860933-C-A. GRCh37 (hg19) VCF-style: chr19-860933-C-A.
Other names: c.306C>A, p.Tyr102Ter (NM_001317335.2); short protein forms Y102*, Y95*.
Identifiers: ClinVar variation 1454250 (VCV001454250.7), dbSNP rs752800376, ClinGen allele CA9026285.

ClinVar aggregate classification (germline): Pathogenic. Review status: criteria provided, multiple submitters, no conflicts (2 of 4 stars). 2 submissions from 2 submitters: Pathogenic (2). Last evaluated 2024-03-29.

Conditions:
Recurrent Neisseria infections due to factor D deficiency. Also called: FACTOR D DEFICIENCY. Identifiers: Orphanet 169467, MedGen C0398764, MONDO:0013487, OMIM 613912.

Allele frequency attached by ClinVar (database versions not stated): TOPMed below 0.00001; ExAC 0.00002; gnomAD exomes 0.00002.
gnomAD v4.1: 27 of 1,601,012 alleles (0.0017%); highest among the groups gnomAD compares: Non-Finnish European, 0.0022%; no homozygotes.

Submissions (2):

Genomic Medicine Center of Excellence, King Faisal Specialist Hospital and Research Centre
Classification: Pathogenic for Recurrent Neisseria infections due to factor D deficiency. Last evaluated: 2024-03-29. Review status: criteria provided, single submitter. Criteria: ACMG Guidelines, 2015. Collection method: clinical testing. Allele origin: germline.

Labcorp Genetics (formerly Invitae), Labcorp
Classification: Pathogenic. Last evaluated: 2021-03-14. Review status: criteria provided, single submitter. Criteria: Invitae Variant Classification Sherloc (09022015). Collection method: clinical testing. Allele origin: germline.
Comment: For these reasons, this variant has been classified as Pathogenic. This variant has not been reported in the literature in individuals with CFD-related conditions. This variant is present in population databases (rs752800376, ExAC 0.004%). This sequence change creates a premature translational stop signal (p.Tyr95*) in the CFD gene. It is expected to result in an absent or disrupted protein product. Loss-of-function variants in CFD are known to be pathogenic (PMID: 11724962).

Literature cited by the submitters: PubMed 11724962 (cited by Labcorp Genetics (formerly Invitae), Labcorp).